The following is an entry in ClinVar:

NM_001006658.3(CR2):c.2438T>C (p.Leu813Pro)

Gene: CR2 (complement C3d receptor 2; plus strand). Cytogenetic location: 1q32.2.
Variant type: single nucleotide variant.
Coding change: c.2438T>C on transcript NM_001006658.3 (MANE Select); coding-DNA position 2438, T replaced by C.
Protein change: p.Leu813Pro; replaces leucine 813 with proline.
Molecular consequence: missense variant.
Genome position (GRCh38, 1-based): chr1:207,474,938, T>C. VCF-style: chr1-207474938-T-C. GRCh37 (hg19) VCF-style: chr1-207648283-T-C.
Other names: c.2261T>C, p.Leu754Pro (NM_001877.5); short protein forms L754P, L813P.
Identifiers: ClinVar variation 952957 (VCV000952957.8), dbSNP rs1658391928, ClinGen allele CA344537913.

ClinVar aggregate classification (germline): Uncertain significance (1 of 4 stars; one submission).

Conditions:
Immunodeficiency, common variable, 7. Identifiers: Orphanet 1572, Orphanet 696894, MedGen C3542922, MONDO:0013862, OMIM 614699.

Submission:

Labcorp Genetics (formerly Invitae), Labcorp
Classification: Uncertain significance for Immunodeficiency, common variable, 7. Last evaluated: 2024-02-17. Review status: criteria provided, single submitter. Criteria: Invitae Variant Classification Sherloc (09022015). Collection method: clinical testing. Allele origin: germline.
Comment: This sequence change replaces leucine, which is neutral and non-polar, with proline, which is neutral and non-polar, at codon 813 of the CR2 protein (p.Leu813Pro). This variant is not present in population databases (gnomAD no frequency). This variant has not been reported in the literature in individuals affected with CR2-related conditions. ClinVar contains an entry for this variant (Variation ID: 952957). An algorithm developed to predict the effect of missense changes on protein structure and function (PolyPhen-2) suggests that this variant is likely to be disruptive. In summary, the available evidence is currently insufficient to determine the role of this variant in disease. Therefore, it has been classified as a Variant of Uncertain Significance.